The following is an entry in ClinVar:

ClinVar aggregate classification (germline): Uncertain significance (1 of 4 stars; one submission).

Submission:

Labcorp Genetics (formerly Invitae), Labcorp
Classification: Uncertain significance. Last evaluated: 2025-08-06. Review status: criteria provided, single submitter. Criteria: Invitae Variant Classification Sherloc (09022015). Collection method: clinical testing. Allele origin: germline.
Comment: This sequence change replaces asparagine, which is neutral and polar, with lysine, which is basic and polar, at codon 41 of the ZNF143 protein (p.Asn41Lys). This variant is not present in population databases (gnomAD no frequency). This variant has not been reported in the literature in individuals affected with ZNF143-related conditions. ClinVar contains an entry for this variant (Variation ID: 2796151). An algorithm developed to predict the effect of missense changes on protein structure and function (PolyPhen-2) suggests that this variant is likely to be tolerated. In summary, the available evidence is currently insufficient to determine the role of this variant in disease. Therefore, it has been classified as a Variant of Uncertain Significance.

NM_003442.6(ZNF143):c.123C>G (p.Asn41Lys)

Gene: ZNF143 (zinc finger protein 143; plus strand). Cytogenetic location: 11p15.4.
Variant type: single nucleotide variant.
Coding change: c.123C>G on transcript NM_003442.6 (MANE Select); coding-DNA position 123, C replaced by G.
Protein change: p.Asn41Lys; replaces asparagine 41 with lysine.
Molecular consequence: missense variant. On other transcripts: intron variant (1).
Genome position (GRCh38, 1-based): chr11:9,472,687, C>G. VCF-style: chr11-9472687-C-G. GRCh37 (hg19) VCF-style: chr11-9494234-C-G.
Other names: c.123C>G, p.Asn41Lys (NM_001282656.2); c.113-1254C>G (NM_001282657.2); short protein forms N41K.
Identifiers: ClinVar variation 2796151 (VCV002796151.3), dbSNP rs1590508650, ClinGen allele CA379620377.